The following is an entry in ClinVar:

ClinVar aggregate classification (germline): Uncertain significance (1 of 4 stars; one submission).

Conditions:
Charcot-Marie-Tooth disease type 2. Also called: Charcot-Marie-Tooth type 2. Identifiers: Orphanet 64746, MedGen C0270914, MONDO:0018993.

Allele frequency attached by ClinVar (database versions not stated): gnomAD exomes below 0.00001.
gnomAD v4.1: 3 of 1,614,154 alleles (0.00019%); highest among the groups gnomAD compares: Non-Finnish European, 0.00025%; no homozygotes.

Submission:

Labcorp Genetics (formerly Invitae), Labcorp
Classification: Uncertain significance for Charcot-Marie-Tooth disease type 2. Last evaluated: 2025-05-30. Review status: criteria provided, single submitter. Criteria: Invitae Variant Classification Sherloc (09022015). Collection method: clinical testing. Allele origin: germline.
Comment: This sequence change replaces isoleucine, which is neutral and non-polar, with threonine, which is neutral and polar, at codon 672 of the GARS protein (p.Ile672Thr). This variant is not present in population databases (gnomAD no frequency). This missense change has been observed in individual(s) with clinical features of GARS-related conditions (internal data). ClinVar contains an entry for this variant (Variation ID: 476755). Invitae Evidence Modeling of protein sequence and biophysical properties (such as structural, functional, and spatial information, amino acid conservation, physicochemical variation, residue mobility, and thermodynamic stability) indicates that this missense variant is expected to disrupt GARS protein function with a positive predictive value of 80%. In summary, the available evidence is currently insufficient to determine the role of this variant in disease. Therefore, it has been classified as a Variant of Uncertain Significance.

NM_002047.4(GARS1):c.2015T>C (p.Ile672Thr)

Gene: GARS1 (glycyl-tRNA synthetase 1; plus strand). Cytogenetic location: 7p14.3.
Variant type: single nucleotide variant.
Coding change: c.2015T>C on transcript NM_002047.4 (MANE Select); coding-DNA position 2015, T replaced by C.
Protein change: p.Ile672Thr; replaces isoleucine 672 with threonine.
Molecular consequence: missense variant.
Genome position (GRCh38, 1-based): chr7:30,632,358, T>C. VCF-style: chr7-30632358-T-C. GRCh37 (hg19) VCF-style: chr7-30671974-T-C.
Other names: c.2015T>C (LRG_243t1); c.1853T>C, p.Ile618Thr (NM_001316772.1); short protein forms I672T, I618T.
Identifiers: ClinVar variation 476755 (VCV000476755.8), dbSNP rs1554340824, ClinGen allele CA367130781.